The following is an entry in ClinVar:

ClinVar aggregate classification (germline): Uncertain significance. Review status: criteria provided, multiple submitters, no conflicts (2 of 4 stars). 3 submissions from 3 submitters: Uncertain significance (3). Last evaluated 2025-06-17.

Conditions:
Hereditary cancer-predisposing syndrome. Also called: Hereditary neoplastic syndrome; Hereditary Cancer Syndrome; Neoplastic Syndromes, Hereditary; Tumor predisposition. Identifiers: Orphanet 140162, MedGen C0027672, MeSH D009386, MONDO:0015356.
Neuroblastoma, susceptibility to, 3. Also called: ALK-Related Neuroblastic Tumor Susceptibility. Identifiers: Orphanet 635, MedGen C2751681, MONDO:0013083, OMIM 613014.

Allele frequency attached by ClinVar (database versions not stated): ExAC 0.00002.
gnomAD v4.1: 1 of 1,579,480 alleles (0.000063%); highest among the groups gnomAD compares: Admixed American, 0.0018%; no homozygotes.

Submissions (3):

St. Jude Molecular Pathology, St. Jude Children's Research Hospital
Classification: Uncertain significance for Neuroblastoma, susceptibility to, 3. Last evaluated: 2025-06-17. Review status: criteria provided, single submitter. Criteria: St. Jude Assertion Criteria 2020. Collection method: clinical testing. Allele origin: germline.
Comment: The ALK c.77G>A p.(Gly26Asp) missense change has a maximum subpopulation frequency of 0.003% in gnomAD v2.1.1. The in silico tool REVEL predicts a benign effect on protein function, but to our knowledge this prediction has not been confirmed by functional studies. To our knowledge, this variant has not been reported in individuals with ALK-related neuroblastic tumor susceptibility. In summary, the evidence currently available is insufficient to determine the clinical significance of this variant. It has therefore been classified as of uncertain significance.

Labcorp Genetics (formerly Invitae), Labcorp
Classification: Uncertain significance for Neuroblastoma, susceptibility to, 3. Last evaluated: 2025-04-16. Review status: criteria provided, single submitter. Criteria: Invitae Variant Classification Sherloc (09022015). Collection method: clinical testing. Allele origin: germline.
Comment: This sequence change replaces glycine, which is neutral and non-polar, with aspartic acid, which is acidic and polar, at codon 26 of the ALK protein (p.Gly26Asp). The frequency data for this variant in the population databases is considered unreliable, as metrics indicate poor data quality at this position in the gnomAD database. This variant has not been reported in the literature in individuals affected with ALK-related conditions. ClinVar contains an entry for this variant (Variation ID: 1367317). An algorithm developed to predict the effect of missense changes on protein structure and function outputs the following: PolyPhen-2: "Benign". The aspartic acid amino acid residue is found in multiple mammalian species, which suggests that this missense change does not adversely affect protein function. In summary, the available evidence is currently insufficient to determine the role of this variant in disease. Therefore, it has been classified as a Variant of Uncertain Significance.

Ambry Genetics
Classification: Uncertain significance for Hereditary cancer-predisposing syndrome. Last evaluated: 2024-08-17. Review status: criteria provided, single submitter. Criteria: Ambry Variant Classification Scheme 2023. Collection method: clinical testing. Allele origin: germline.
Comment: The p.G26D variant (also known as c.77G>A), located in coding exon 1 of the ALK gene, results from a G to A substitution at nucleotide position 77. The glycine at codon 26 is replaced by aspartic acid, an amino acid with similar properties. This amino acid position is conserved. In addition, this alteration is predicted to be tolerated by in silico analysis. Based on the available evidence, the clinical significance of this variant remains unclear.

NM_004304.5(ALK):c.77G>A (p.Gly26Asp)

Gene: ALK (ALK receptor tyrosine kinase; minus strand). Cytogenetic location: 2p23.1.
Variant type: single nucleotide variant.
Coding change: c.77G>A on transcript NM_004304.5 (MANE Select); coding-DNA position 77, G replaced by A.
Protein change: p.Gly26Asp; replaces glycine 26 with aspartic acid.
Molecular consequence: missense variant.
Genome position (GRCh38, 1-based): chr2:29,920,583, C>T on the plus strand (G>A on the coding strand, the complement: ALK is on the minus strand). VCF-style: chr2-29920583-C-T. GRCh37 (hg19) VCF-style: chr2-30143449-C-T.
Other names: c.77G>A (NM_004304.4); short protein forms G26D.
Identifiers: ClinVar variation 1367317 (VCV001367317.11), dbSNP rs755942639, ClinGen allele CA1595052.